The following is an entry in ClinVar:

NM_007294.4(BRCA1):c.5041A>T (p.Thr1681Ser)

Gene: BRCA1 (BRCA1 DNA repair associated; minus strand). Cytogenetic location: 17q21.31.
Variant type: single nucleotide variant.
Coding change: c.5041A>T on transcript NM_007294.4 (MANE Select); coding-DNA position 5041, A replaced by T.
Protein change: p.Thr1681Ser; replaces threonine 1681 with serine.
Molecular consequence: missense variant. On other transcripts: non-coding transcript variant (1).
Genome position (GRCh38, 1-based): chr17:43,067,641, T>A on the plus strand (A>T on the coding strand, the complement: BRCA1 is on the minus strand). VCF-style: chr17-43067641-T-A. GRCh37 (hg19) VCF-style: chr17-41219658-T-A.
Other names: c.4705A>T, p.Thr1569Ser (NM_001407954.1, NM_001407955.1, NM_001407950.1 and 3 more transcripts); c.4702A>T, p.Thr1568Ser (NM_001407956.1, NM_001407957.1, NM_001407958.1); c.4660A>T, p.Thr1554Ser (NM_001407959.1); c.4657A>T, p.Thr1553Ser (NM_001407960.1, NM_001407962.1); c.4654A>T, p.Thr1552Ser (NM_001407963.1); c.1732A>T, p.Thr578Ser (NM_001407974.1, NM_001407975.1, NM_001407976.1 and 3 more transcripts); c.1729A>T, p.Thr577Ser (NM_001407979.1, NM_001407980.1, NM_001407981.1 and 13 more transcripts); c.1726A>T, p.Thr576Ser (NM_001408397.1, NM_001408398.1, NM_001408399.1 and 8 more transcripts); and 70 more; short protein forms T1702S, T577S, T1681S, T1634S, T1527S, T1553S, T1554S, T1593S.
Identifiers: ClinVar variation 868957 (VCV000868957.3), dbSNP rs876659314, ClinGen allele CA10591434.
Genomic context (GRCh38, chr17:43,067,641, plus strand): 5'-GGTATTCTGTAAAGGTTCTTGGTATACCTGTTTTCATAACAACATGAGTAGTCTCTTCAG[T>A]AATTAGATTAGTTAAAGTGATGTGGTGTTTTCTGGCAAACTTGTACACGAGCATCTGAAA-3'
Protein context (NP_009225.1, residues 1671-1691): KHHITLTNLI[Thr1681Ser]EETTHVVMKT

Conditions:
Breast-ovarian cancer, familial, susceptibility to, 1 (BROVCA1). Also called: BRCA1 Hereditary Breast and Ovarian Cancer; OVARIAN CANCER, SUSCEPTIBILITY TO. Identifiers: Orphanet 145, MedGen C2676676, MONDO:0011450, OMIM 604370. Disease mechanism: loss of function.

Submission:

Brotman Baty Institute, University of Washington
No classification provided (evidence only). Condition: Breast-ovarian cancer, familial 1. Review status: no classification provided. Collection method: in vitro. Allele origin: not applicable. Functional consequence: functionally_normal.
ClinVar note: "not provided" was previously submitted as the classification for the variant. However, the classification appeared to be based only on an observation of functional data so it was converted to no classification on 2025-07-30.